The following is an entry in ClinVar:

NM_000023.4(SGCA):c.119del (p.Leu40fs)

Gene: SGCA (sarcoglycan alpha; plus strand). Cytogenetic location: 17q21.33.
Variant type: Deletion.
Coding change: c.119del on transcript NM_000023.4 (MANE Select); coding-DNA position 119, one base deleted (T; older notation c.119delT).
Protein change: p.Leu40fs; shifts the reading frame from leucine 40.
Molecular consequence: frameshift variant. On other transcripts: non-coding transcript variant (1).
Genome position (GRCh38, 1-based): chr17:50,167,449, T deleted; the last of 2 consecutive T bases (chr17:50,167,448-50,167,449); deleting either gives the same sequence. VCF-style (leftmost placement, unchanged base first): chr17-50167447-CT-C. GRCh37 (hg19) VCF-style: chr17-48244808-CT-C.
Other names: c.119del, p.Leu40fs (NM_001135697.3); short protein forms L40fs.
Identifiers: ClinVar variation 1726829 (VCV001726829.2), dbSNP rs2509118076, ClinGen allele CA2580094131.

ClinVar aggregate classification (germline): Likely pathogenic (1 of 4 stars; one submission).

Conditions:
Autosomal recessive limb-girdle muscular dystrophy type 2D (LGMDR3). Also called: DUCHENNE-LIKE AUTOSOMAL RECESSIVE MUSCULAR DYSTROPHY, TYPE 2; MUSCULAR DYSTROPHY, LIMB-GIRDLE, AUTOSOMAL RECESSIVE 3; ADHALINOPATHY, PRIMARY. Identifiers: Orphanet 62, MedGen C2936332, MONDO:0011968, OMIM 608099. Disease mechanism: Affects gamma-sarcoglycan and also disrupts the integrity of the entire sarcoglycan complex..

Submission:

Myriad Genetics, Inc.
Classification: Likely pathogenic for Autosomal recessive limb-girdle muscular dystrophy type 2D. Last evaluated: 2022-01-02. Review status: criteria provided, single submitter. Criteria: Myriad Women's Health Autosomal Recessive and X-Linked Classification Criteria (2021). Collection method: clinical testing. Allele origin: unknown.
Comment: NM_000023.2(SGCA):c.119delT(L40Wfs*7) is expected to be pathogenic in the context of alpha-sarcoglycanopathy. This variant is predicted to lead to an abnormal or absent protein product due to the creation of a premature termination codon in SGCA, a gene where loss-of-function variants are known to be pathogenic. Please note: this variant was assessed in the context of healthy population screening.